The following is an entry in ClinVar:

ClinVar aggregate classification (germline): Uncertain significance (1 of 4 stars; one submission).

Submission:

Ambry Genetics
Classification: Uncertain significance. Last evaluated: 2025-05-01. Review status: criteria provided, single submitter. Criteria: Ambry Variant Classification Scheme 2023. Collection method: clinical testing. Allele origin: germline.
Comment: The p.S268P variant (also known as c.802T>C), located in coding exon 1 of the TET2 gene, results from a T to C substitution at nucleotide position 802. The serine at codon 268 is replaced by proline, an amino acid with similar properties. This amino acid position is conserved. In addition, this alteration is predicted to be tolerated by in silico analysis. Based on the available evidence, the clinical significance of this variant remains unclear.

NM_001127208.3(TET2):c.802T>C (p.Ser268Pro)

Genes: TET2 (tet methylcytosine dioxygenase 2; plus strand), TET2-AS1 (TET2 antisense RNA 1; minus strand). Cytogenetic location: 4q24.
Variant type: single nucleotide variant.
Coding change: c.802T>C on transcript NM_001127208.3 (MANE Select); coding-DNA position 802, T replaced by C.
Protein change: p.Ser268Pro; replaces serine 268 with proline.
Molecular consequence: missense variant.
Genome position (GRCh38, 1-based): chr4:105,234,744, T>C. VCF-style: chr4-105234744-T-C. GRCh37 (hg19) VCF-style: chr4-106155901-T-C.
Other names: c.802T>C, p.Ser268Pro (NM_017628.4); short protein forms S268P.
Identifiers: ClinVar variation 3967602 (VCV003967602.1).